The following is an entry in ClinVar:

NM_006231.4(POLE):c.2656C>A (p.Pro886Thr)

Gene: POLE (DNA polymerase epsilon, catalytic subunit; minus strand). Cytogenetic location: 12q24.33.
Variant type: single nucleotide variant.
Coding change: c.2656C>A on transcript NM_006231.4 (MANE Select); coding-DNA position 2656, C replaced by A.
Protein change: p.Pro886Thr; replaces proline 886 with threonine.
Molecular consequence: missense variant.
Genome position (GRCh38, 1-based): chr12:132,664,054, G>T on the plus strand (C>A on the coding strand, the complement: POLE is on the minus strand). VCF-style: chr12-132664054-G-T. GRCh37 (hg19) VCF-style: chr12-133240640-G-T.
Other names: short protein forms P886T.
Identifiers: ClinVar variation 2807062 (VCV002807062.3), dbSNP rs1393738781, ClinGen allele CA387395371.

ClinVar aggregate classification (germline): Uncertain significance (1 of 4 stars; one submission).

Submission:

Labcorp Genetics (formerly Invitae), Labcorp
Classification: Uncertain significance. Last evaluated: 2023-07-29. Review status: criteria provided, single submitter. Criteria: Invitae Variant Classification Sherloc (09022015). Collection method: clinical testing. Allele origin: germline.
Comment: This variant is not present in population databases (gnomAD no frequency). In summary, the available evidence is currently insufficient to determine the role of this variant in disease. Therefore, it has been classified as a Variant of Uncertain Significance. An algorithm developed to predict the effect of missense changes on protein structure and function (PolyPhen-2) suggests that this variant is likely to be tolerated. This variant has not been reported in the literature in individuals affected with POLE-related conditions. This sequence change replaces proline, which is neutral and non-polar, with threonine, which is neutral and polar, at codon 886 of the POLE protein (p.Pro886Thr).